The following is an entry in ClinVar:

ClinVar aggregate classification (germline): Likely benign (0 of 4 stars; one submission).

Conditions:
SOX3-related disorder. Also called: SOX3-related condition; SOX3-Related Disorders.

Submission:

PreventionGenetics, part of Exact Sciences
Classification: Likely benign for SOX3-related condition. Last evaluated: 2019-04-05. Review status: no assertion criteria provided. Collection method: clinical testing. Allele origin: germline.
Comment: This variant is classified as likely benign based on ACMG/AMP sequence variant interpretation guidelines (Richards et al. 2015 PMID: 25741868, with internal and published modifications).

NM_005634.3(SOX3):c.1188C>T (p.Asp396=)

Gene: SOX3 (SRY-box transcription factor 3; minus strand). Cytogenetic location: Xq27.1.
Variant type: single nucleotide variant.
Coding change: c.1188C>T on transcript NM_005634.3 (MANE Select); coding-DNA position 1188, C replaced by T.
Protein change: p.Asp396=; no amino-acid change (aspartic acid 396 retained).
Molecular consequence: synonymous variant.
Genome position (GRCh38, 1-based): chrX:140,503,873, G>A on the plus strand (C>T on the coding strand, the complement: SOX3 is on the minus strand). VCF-style: chrX-140503873-G-A. GRCh37 (hg19) VCF-style: chrX-139586038-G-A.
Identifiers: ClinVar variation 3047388 (VCV003047388.2), dbSNP rs2520863110, ClinGen allele CA519167924.